The following is an entry in ClinVar:

ClinVar aggregate classification (germline): Pathogenic (1 of 4 stars; one submission).

Submission:

Labcorp Genetics (formerly Invitae), Labcorp
Classification: Pathogenic. Last evaluated: 2024-12-17. Review status: criteria provided, single submitter. Criteria: Invitae Variant Classification Sherloc (09022015). Collection method: clinical testing. Allele origin: germline.
Comment: This sequence change creates a premature translational stop signal (p.Leu4Argfs*36) in the TBCK gene. It is expected to result in an absent or disrupted protein product. Loss-of-function variants in TBCK are known to be pathogenic (PMID: 27040692, 30103036). This variant is not present in population databases (gnomAD no frequency). This variant has not been reported in the literature in individuals affected with TBCK-related conditions. For these reasons, this variant has been classified as Pathogenic.

Literature cited by the submitters: PubMed 27040692; PubMed 30103036.

NM_001163435.3(TBCK):c.11del (p.Leu4fs)

Gene: TBCK (TBC1 domain containing kinase; minus strand). Cytogenetic location: 4q24.
Variant type: Deletion.
Coding change: c.11del on transcript NM_001163435.3 (MANE Select); coding-DNA position 11, one base deleted (T; older notation c.11delT).
Protein change: p.Leu4fs; shifts the reading frame from leucine 4.
Molecular consequence: frameshift variant. On other transcripts: 5 prime UTR variant (1).
Genome position (GRCh38, 1-based): chr4:106,308,950, A deleted on the plus strand (T on the coding strand, the reverse complement: TBCK is on the minus strand). VCF-style (leftmost placement, unchanged base first): chr4-106308949-CA-C. GRCh37 (hg19) VCF-style: chr4-107230106-CA-C.
Other names: c.11del, p.Leu4fs (NM_001163436.4, NM_001163437.3, NM_033115.5); c.-607del (NM_001290768.2); short protein forms L4fs.
Identifiers: ClinVar variation 3677936 (VCV003677936.2).